The following is an entry in ClinVar:

ClinVar aggregate classification (germline): Likely benign (1 of 4 stars; one submission).

gnomAD v4.1: 1,024 of 1,613,960 alleles (0.063%); highest among the groups gnomAD compares: Non-Finnish European, 0.074%; 1 homozygote.

Submission:

CeGaT Center for Human Genetics Tuebingen
Classification: Likely benign. Last evaluated: 2026-09-01. Review status: criteria provided, single submitter. Criteria: CeGaT Center For Human Genetics Tuebingen Variant Classification Criteria Version 2. Collection method: clinical testing. Allele origin: germline. Affected: yes. Observed: 2 variant alleles.
Comment: TIAM1: BS2

NM_001353694.2(TIAM1):c.3247G>A (p.Val1083Met)

Gene: TIAM1 (TIAM Rac1 associated GEF 1; minus strand). Cytogenetic location: 21q22.11.
Variant type: single nucleotide variant.
Coding change: c.3247G>A on transcript NM_001353694.2 (MANE Select); coding-DNA position 3247, G replaced by A.
Protein change: p.Val1083Met; replaces valine 1083 with methionine.
Molecular consequence: missense variant.
Genome position (GRCh38, 1-based): chr21:31,152,755, C>T on the plus strand (G>A on the coding strand, the complement: TIAM1 is on the minus strand). VCF-style: chr21-31152755-C-T. GRCh37 (hg19) VCF-style: chr21-32525073-C-T.
Other names: c.3247G>A, p.Val1083Met (NM_001353692.1, NM_001353693.1, NM_003253.3 and 4 more transcripts); c.346G>A, p.Val116Met (NM_001353684.2); c.271G>A, p.Val91Met (NM_001353685.2); c.3172G>A, p.Val1058Met (NM_001353686.2, NM_001353687.2); short protein forms V1058M, V1083M, V116M, V91M.
Identifiers: ClinVar variation 3341607 (VCV003341607.16).